The following is an entry in ClinVar:

NM_000553.6(WRN):c.725-1G>C

Gene: WRN (WRN RecQ like helicase; plus strand). Cytogenetic location: 8p12.
Variant type: single nucleotide variant.
Coding change: c.725-1G>C on transcript NM_000553.6 (MANE Select); the canonical splice acceptor site of the intron before coding-DNA position 725, G replaced by C.
Molecular consequence: splice acceptor variant.
Genome position (GRCh38, 1-based): chr8:31,076,172, G>C. VCF-style: chr8-31076172-G-C. GRCh37 (hg19) VCF-style: chr8-30933688-G-C.
Identifiers: ClinVar variation 2882585 (VCV002882585.3), dbSNP rs377215256, ClinGen allele CA370918286.
Genomic context (GRCh38, chr8:31,076,172, plus strand): 5'-GGCTAAATGAATATCTCTGCTTTGTGGTTTGAAAATTAATATTGATTTTTTTTCCCCCTA[G>C]AGGAAGAAATCCTACTTAGCGACATGAACAAACAGTTGACTTCAATCTCTGAGGAAGTGA-3'

ClinVar aggregate classification (germline): Likely pathogenic (1 of 4 stars; one submission).

Conditions:
Werner syndrome (WRN). Identifiers: Orphanet 902, MedGen C0043119, MONDO:0010196, OMIM 277700.

Submission:

Labcorp Genetics (formerly Invitae), Labcorp
Classification: Likely pathogenic for Werner syndrome. Last evaluated: 2023-07-31. Review status: criteria provided, single submitter. Criteria: Invitae Variant Classification Sherloc (09022015). Collection method: clinical testing. Allele origin: germline.
Comment: In summary, the currently available evidence indicates that the variant is pathogenic, but additional data are needed to prove that conclusively. Therefore, this variant has been classified as Likely Pathogenic. Algorithms developed to predict the effect of sequence changes on RNA splicing suggest that this variant may disrupt the consensus splice site. This variant has not been reported in the literature in individuals affected with WRN-related conditions. This variant is not present in population databases (gnomAD no frequency). This sequence change affects an acceptor splice site in intron 7 of the WRN gene. It is expected to disrupt RNA splicing. Variants that disrupt the donor or acceptor splice site typically lead to a loss of protein function (PMID: 16199547), and loss-of-function variants in WRN are known to be pathogenic (PMID: 16673358).

Literature cited by the submitters: PubMed 16199547; PubMed 16673358.